The following is an entry in ClinVar:

NM_032802.4(SPPL2A):c.479T>C (p.Met160Thr)

Gene: SPPL2A (signal peptide peptidase like 2A; minus strand). Cytogenetic location: 15q21.2.
Variant type: single nucleotide variant.
Coding change: c.479T>C on transcript NM_032802.4 (MANE Select); coding-DNA position 479, T replaced by C.
Protein change: p.Met160Thr; replaces methionine 160 with threonine.
Molecular consequence: missense variant.
Genome position (GRCh38, 1-based): chr15:50,747,600, A>G on the plus strand (T>C on the coding strand, the complement: SPPL2A is on the minus strand). VCF-style: chr15-50747600-A-G. GRCh37 (hg19) VCF-style: chr15-51039797-A-G.
Other names: short protein forms M160T.
Identifiers: ClinVar variation 3691755 (VCV003691755.2).
Genomic context (GRCh38, chr15:50,747,600, plus strand): 5'-ACCGCAATTACAAAAATAACCACCATAGTATAATCAAAGTTAGGCCACGATGGAGAATAC[A>G]TTTTCACAGTAATGTTATCTCCTAGAGTCTGAAAGGCAAAATAACAGTTAAACACAGGAA-3'
Protein context (NP_116191.2, residues 150-170): QTLGDNITVK[Met160Thr]YSPSWPNFDY

ClinVar aggregate classification (germline): Uncertain significance (1 of 4 stars; one submission).

Submission:

Labcorp Genetics (formerly Invitae), Labcorp
Classification: Uncertain significance. Last evaluated: 2024-04-19. Review status: criteria provided, single submitter. Criteria: Invitae Variant Classification Sherloc (09022015). Collection method: clinical testing. Allele origin: germline.
Comment: This sequence change replaces methionine, which is neutral and non-polar, with threonine, which is neutral and polar, at codon 160 of the SPPL2A protein (p.Met160Thr). This variant is not present in population databases (gnomAD no frequency). This variant has not been reported in the literature in individuals affected with SPPL2A-related conditions. An algorithm developed to predict the effect of missense changes on protein structure and function (PolyPhen-2) suggests that this variant is likely to be tolerated. In summary, the available evidence is currently insufficient to determine the role of this variant in disease. Therefore, it has been classified as a Variant of Uncertain Significance.